The following is an entry in ClinVar:

NM_002485.5(NBN):c.825A>G (p.Ile275Met)

Gene: NBN (nibrin; minus strand). Cytogenetic location: 8q21.3.
Variant type: single nucleotide variant.
Coding change: c.825A>G on transcript NM_002485.5 (MANE Select); coding-DNA position 825, A replaced by G.
Protein change: p.Ile275Met; replaces isoleucine 275 with methionine.
Molecular consequence: missense variant.
Genome position (GRCh38, 1-based): chr8:89,970,435, T>C on the plus strand (A>G on the coding strand, the complement: NBN is on the minus strand). VCF-style: chr8-89970435-T-C. GRCh37 (hg19) VCF-style: chr8-90982663-T-C.
Other names: c.579A>G, p.Ile193Met (NM_001024688.3); short protein forms I193M, I275M.
Identifiers: ClinVar variation 1059447 (VCV001059447.9), dbSNP rs2129828602, ClinGen allele CA371658522.

ClinVar aggregate classification (germline): Uncertain significance (1 of 4 stars; one submission).

Conditions:
Microcephaly, normal intelligence and immunodeficiency (NBS). Also called: BERLIN BREAKAGE SYNDROME; SEEMANOVA SYNDROME II; Immunodeficiency, microcephaly with normal intelligence; Nijmegen breakage syndrome; Microcephaly with normal intelligence immunodeficiency and lymphoreticular malignancies; Nonsyndromal microcephaly autosomal recessive with normal intelligence. Identifiers: Orphanet 647, MedGen C0398791, MONDO:0009623, OMIM 251260.

Allele frequency attached by ClinVar (database versions not stated): gnomAD exomes below 0.00001.
gnomAD v4.1: 2 of 1,614,084 alleles (0.00012%); highest among the groups gnomAD compares: Non-Finnish European, 0.00017%; no homozygotes.

Submission:

Labcorp Genetics (formerly Invitae), Labcorp
Classification: Uncertain significance for Microcephaly, normal intelligence and immunodeficiency. Last evaluated: 2023-08-31. Review status: criteria provided, single submitter. Criteria: Invitae Variant Classification Sherloc (09022015). Collection method: clinical testing. Allele origin: germline.
Comment: This sequence change replaces isoleucine, which is neutral and non-polar, with methionine, which is neutral and non-polar, at codon 275 of the NBN protein (p.Ile275Met). This variant is not present in population databases (gnomAD no frequency). This variant has not been reported in the literature in individuals affected with NBN-related conditions. ClinVar contains an entry for this variant (Variation ID: 1059447). Algorithms developed to predict the effect of missense changes on protein structure and function output the following: SIFT: "Not Available"; PolyPhen-2: "Benign"; Align-GVGD: "Not Available". The methionine amino acid residue is found in multiple mammalian species, which suggests that this missense change does not adversely affect protein function. In summary, the available evidence is currently insufficient to determine the role of this variant in disease. Therefore, it has been classified as a Variant of Uncertain Significance.